The following is an entry in ClinVar:

NM_000059.4(BRCA2):c.6691G>A (p.Ala2231Thr)

Gene: BRCA2 (BRCA2 DNA repair associated; plus strand). Cytogenetic location: 13q13.1.
Variant type: single nucleotide variant.
Coding change: c.6691G>A on transcript NM_000059.4 (MANE Select); coding-DNA position 6691, G replaced by A.
Protein change: p.Ala2231Thr; replaces alanine 2231 with threonine.
Molecular consequence: missense variant.
Genome position (GRCh38, 1-based): chr13:32,341,046, G>A. VCF-style: chr13-32341046-G-A. GRCh37 (hg19) VCF-style: chr13-32915183-G-A.
Other names: short protein forms A2231T.
Identifiers: ClinVar variation 187220 (VCV000187220.51), dbSNP rs758379999, ClinGen allele CA024298.

ClinVar aggregate classification (germline): Conflicting classifications of pathogenicity. Review status: criteria provided, conflicting classifications (1 of 4 stars). 9 submissions from 9 submitters: Uncertain significance (6); Likely benign (3). Last evaluated 2025-10-21.

Conditions:
Familial cancer of breast. Also called: Hereditary breast cancer; hereditary breast carcinoma; BREAST CANCER, FAMILIAL. Identifiers: Orphanet 227535, MedGen C0346153, MONDO:0016419, OMIM 114480. Disease mechanism: loss of function.
Breast-ovarian cancer, familial, susceptibility to, 2 (BROVCA2). Also called: BRCA2 Hereditary Breast and Ovarian Cancer. Identifiers: Orphanet 145, MedGen C2675520, MONDO:0012933, OMIM 612555. Disease mechanism: loss of function.
Wilms tumor 1 (WT1). Also called: Wilms tumor, somatic. Identifiers: Orphanet 654, MedGen CN033288, MONDO:0008679, OMIM 194070.
Pancreatic cancer, susceptibility to, 2. Identifiers: Orphanet 1333, MedGen C3150546, MONDO:0013235, OMIM 613347.
Glioma susceptibility 3 (GLM3). Also called: Glioblastoma 3. Identifiers: Orphanet 182067, Orphanet 360, MedGen C2751641, MONDO:0013093, OMIM 613029.
Familial prostate cancer. Also called: Hereditary Prostate Cancer. Identifiers: MedGen C2931456, MONDO:0700275, OMIM 176807.
Fanconi anemia complementation group D1. Also called: BRCA2-Related Fanconi Anemia. Identifiers: Orphanet 319462, MedGen C1838457, MONDO:0011584, OMIM 605724.
Medulloblastoma (MDB). Also called: MEDULLOBLASTOMA PREDISPOSITION SYNDROME; Medulloblastoma, somatic. Identifiers: Orphanet 616, MedGen C0025149, MeSH D008527, MONDO:0007959, OMIM 155255, HP:0002885.
BRCA2-related cancer predisposition. Identifiers: MedGen CN377758, MONDO:0700269.
Hereditary cancer-predisposing syndrome. Also called: Hereditary Cancer Syndrome; Neoplastic Syndromes, Hereditary; Tumor predisposition; Hereditary neoplastic syndrome. Identifiers: Orphanet 140162, MedGen C0027672, MeSH D009386, MONDO:0015356.
Hereditary breast ovarian cancer syndrome. Also called: Hereditary breast and ovarian cancer; Hereditary breast and ovarian cancer syndrome (HBOC); Hereditary breast and/or ovarian cancer syndrome; Hereditary breast and ovarian cancer syndrome; Breast and ovarian cancer; BRCA1- and BRCA2-Associated Hereditary Breast and Ovarian Cancer. Identifiers: Orphanet 145, MedGen C0677776, MeSH D061325, MONDO:0003582. Disease mechanism: loss of function.

gnomAD v4.1: 1 of 1,613,914 alleles (0.000062%); no homozygotes.

Submissions (9):

Labcorp Genetics (formerly Invitae), Labcorp
Classification: Uncertain significance for Hereditary breast ovarian cancer syndrome. Last evaluated: 2025-10-21. Review status: criteria provided, single submitter. Criteria: Invitae Variant Classification Sherloc (09022015). Collection method: clinical testing. Allele origin: germline.
Comment: This sequence change replaces alanine, which is neutral and non-polar, with threonine, which is neutral and polar, at codon 2231 of the BRCA2 protein (p.Ala2231Thr). This variant is not present in population databases (gnomAD no frequency). This variant has not been reported in the literature in individuals affected with BRCA2-related conditions. ClinVar contains an entry for this variant (Variation ID: 187220). Invitae Evidence Modeling of protein sequence and biophysical properties (such as structural, functional, and spatial information, amino acid conservation, physicochemical variation, residue mobility, and thermodynamic stability) indicates that this missense variant is not expected to disrupt BRCA2 protein function with a negative predictive value of 95%. In summary, the available evidence is currently insufficient to determine the role of this variant in disease. Therefore, it has been classified as a Variant of Uncertain Significance.

Quest Diagnostics Nichols Institute San Juan Capistrano
Classification: Uncertain significance. Last evaluated: 2025-08-29. Review status: criteria provided, single submitter. Criteria: Quest Diagnostics criteria. Collection method: clinical testing. Allele origin: unknown.
Comment: The BRCA2 c.6691G>A (p.Ala2231Thr) variant has been observed in the published literature in a reportedly unaffected individual (PMID: 30630528 (2019)), and described to be located in a region of the BRCA2 gene that is tolerant to missense sequence changes (PMID: 31911673 (2020)). This variant has not been reported in large, multi-ethnic general populations (Genome Aggregation Database). Analysis of this variant using bioinformatics tools for the prediction of the effect of amino acid changes on protein structure and function yielded conflicting predictions that this variant is benign or damaging. Based on the available information, we are unable to determine the clinical significance of this variant.

Ambry Genetics
Classification: Uncertain significance for Hereditary cancer-predisposing syndrome. Last evaluated: 2025-01-23. Review status: criteria provided, single submitter. Criteria: Ambry Variant Classification Scheme 2023. Collection method: clinical testing. Allele origin: germline.
Comment: The p.A2231T variant (also known as c.6691G>A), located in coding exon 10 of the BRCA2 gene, results from a G to A substitution at nucleotide position 6691. The alanine at codon 2231 is replaced by threonine, an amino acid with similar properties. This amino acid position is well conserved in available vertebrate species. In addition, the in silico prediction for this alteration is inconclusive. Based on the available evidence, the clinical significance of this variant remains unclear.

All of Us Research Program, National Institutes of Health
Classification: Likely benign for BRCA2-related cancer predisposition. Last evaluated: 2024-07-10. Review status: criteria provided, single submitter. Criteria: ACMG Guidelines, 2015. Collection method: clinical testing. Allele origin: germline. Inheritance: Autosomal dominant inheritance. Observed: 2 variant alleles, 2 heterozygotes.
Comment: This study involves interpretation of variants in research participants for the purpose of population health screening. Participant phenotype was not available at the time of variant classification. Additional details can be found in publication PMID: 35346344, PMCID: PMC8962531

Fulgent Genetics
Classification: Uncertain significance for Familial cancer of breast; Medulloblastoma; Familial prostate cancer; Wilms tumor 1; Fanconi anemia complementation group D1; Breast-ovarian cancer, familial, susceptibility to, 2; Glioma susceptibility 3; Pancreatic cancer, susceptibility to, 2. Last evaluated: 2024-04-15. Review status: criteria provided, single submitter. Criteria: ACMG Guidelines, 2015. Collection method: clinical testing. Allele origin: germline.

CeGaT Center for Human Genetics Tuebingen
Classification: Uncertain significance. Last evaluated: 2023-12-01. Review status: criteria provided, single submitter. Criteria: CeGaT Center For Human Genetics Tuebingen Variant Classification Criteria Version 2. Collection method: clinical testing. Allele origin: germline. Affected: yes. Observed: 1 variant allele.
Comment: BRCA2: PM2, BP1

University of Washington Department of Laboratory Medicine, University of Washington
Classification: Likely benign for Hereditary cancer-predisposing syndrome. Last evaluated: 2023-03-23. Review status: criteria provided, single submitter. Criteria: Dines et al. (Genet Med. 2020). Collection method: curation. Allele origin: germline.
Comment: Missense variant in a coldspot region where missense variants are very unlikely to be pathogenic (PMID:31911673).

BRCA2 exon 11 coldspot. Reclassification based on statistical prior probability.

Women's Health and Genetics/Laboratory Corporation of America, LabCorp
Classification: Uncertain significance. Last evaluated: 2017-02-10. Review status: criteria provided, single submitter. Criteria: LabCorp Variant Classification Summary - May 2015. Collection method: clinical testing. Allele origin: germline.
Comment: Variant summary: The BRCA2 c.6691G>A (p.Ala2231Thr) variant involves the alteration of a conserved nucleotide and is predicted to be damaging by 4/5 in silico tools. The variant is located outside of some commonly known domains in BRCA2 protein (InterPro, UniPro). This variant is absent in 121158 control chromosomes. The variant of interest has not, to our knowledge, been reported in affected individuals via publications and/or reputable databases, nor evaluated for functional impact by in vivo/vitro studies. A clinical diagnostic laboratory has reported this variant once in an individual undergoing BRCA1/2 testing without evidence to independently evaluate and has classified the variant as uncertain significance. Another amino acid change at this residue p.Ala2231Phe is classified as VUS in ClinVar by a lab. Based on the currently available information, this variant is classified as a variant of uncertain significance (VUS).

Color Diagnostics, LLC DBA Color Health
Classification: Likely benign for Hereditary cancer-predisposing syndrome. Last evaluated: 2016-02-22. Review status: criteria provided, single submitter. Criteria: ACMG Guidelines, 2015. Collection method: clinical testing. Allele origin: germline.

Literature cited by the submitters: PubMed 31911673 (cited by Quest Diagnostics Nichols Institute San Juan Capistrano); PubMed 31853058 (cited by Quest Diagnostics Nichols Institute San Juan Capistrano); PubMed 29884841 (cited by Quest Diagnostics Nichols Institute San Juan Capistrano); PubMed 30630528 (cited by Quest Diagnostics Nichols Institute San Juan Capistrano and Ambry Genetics); PubMed 39402389 (cited by Quest Diagnostics Nichols Institute San Juan Capistrano).